The following is an entry in ClinVar:

NM_001690.4(ATP6V1A):c.733A>C (p.Thr245Pro)

Gene: ATP6V1A (ATPase H+ transporting V1 subunit A; plus strand). Cytogenetic location: 3q13.31.
Variant type: single nucleotide variant.
Coding change: c.733A>C on transcript NM_001690.4 (MANE Select); coding-DNA position 733, A replaced by C.
Protein change: p.Thr245Pro; replaces threonine 245 with proline.
Molecular consequence: missense variant.
Genome position (GRCh38, 1-based): chr3:113,788,729, A>C. VCF-style: chr3-113788729-A-C. GRCh37 (hg19) VCF-style: chr3-113507576-A-C.
Other names: short protein forms T245P.
Identifiers: ClinVar variation 522127 (VCV000522127.5), dbSNP rs1383329082, ClinGen allele CA354013255.

ClinVar aggregate classification (germline): Uncertain significance (1 of 4 stars; one submission).

Conditions:
Inborn genetic diseases. Identifiers: MedGen C0950123, MeSH D030342.

Allele frequency attached by ClinVar (database versions not stated): gnomAD 0.00001 and 0.00003.
gnomAD v4.1: 1 of 1,613,694 alleles (0.000062%); highest among the groups gnomAD compares: Admixed American, 0.0017%; no homozygotes.

Submission:

Ambry Genetics
Classification: Uncertain significance for Inborn genetic diseases. Last evaluated: 2021-10-08. Review status: criteria provided, single submitter. Criteria: Ambry Variant Classification Scheme 2023. Collection method: clinical testing. Allele origin: germline.
Comment: The c.733A>C (p.T245P) alteration is located in exon 7 (coding exon 6) of the ATP6V1A gene. This alteration results from an A to C substitution at nucleotide position 733, causing the threonine (T) at amino acid position 245 to be replaced by a proline (P). Based on data from gnomAD, the C allele has an overall frequency of <0.01% (1/31386) total alleles studied. The highest observed frequency was 0.12% (1/848) of Latino alleles. This amino acid position is highly conserved in available vertebrate species. This alteration is predicted to be deleterious by in silico analysis. Based on insufficient or conflicting evidence, the clinical significance of this alteration remains unclear.